The following is an entry in ClinVar:

NM_001244008.2(KIF1A):c.430-14G>A

Gene: KIF1A (kinesin family member 1A; minus strand). Cytogenetic location: 2q37.3.
Variant type: single nucleotide variant.
Coding change: c.430-14G>A on transcript NM_001244008.2 (MANE Select); 14 bases into the intron before coding-DNA position 430, G replaced by A.
Molecular consequence: intron variant.
Genome position (GRCh38, 1-based): chr2:240,786,527, C>T on the plus strand (G>A on the coding strand, the complement: KIF1A is on the minus strand). VCF-style: chr2-240786527-C-T. GRCh37 (hg19) VCF-style: chr2-241725944-C-T.
Other names: c.430-14G>A (NM_001379653.1, NM_001379650.1, NM_001379645.1 and 20 more transcripts).
Identifiers: ClinVar variation 335280 (VCV000335280.14), dbSNP rs201456681, ClinGen allele CA2208765.

ClinVar aggregate classification (germline): Conflicting classifications of pathogenicity. Review status: criteria provided, conflicting classifications (1 of 4 stars). 5 submissions from 5 submitters: Uncertain significance (1); Likely benign (4). Last evaluated 2026-02-03.

Conditions:
Neuropathy, hereditary sensory, type 2C. Also called: Hereditary sensory and autonomic neuropathy type IIC; KIF1A-Related HSAN2 (HSAN2C). Identifiers: Orphanet 970, MedGen C3280168, MONDO:0013634, OMIM 614213.
Intellectual disability, autosomal dominant 9 (NESCAVS). Also called: KIF1A-Related Neurodevelopmental Disorder; NESCAV SYNDROME. Identifiers: Orphanet 662367, MedGen C5393830, MONDO:0013656, OMIM 614255.
Hereditary spastic paraplegia 30. Identifiers: Orphanet 101010, MedGen C5235139, MONDO:0012476.

Allele frequency attached by ClinVar (database versions not stated): ESP Exome Variant Server 0.00008; ExAC 0.00026; gnomAD exomes 0.00032 and 0.00041; gnomAD 0.00037 and 0.00038; 1000 Genomes Project 0.00040; TOPMed 0.00046; 1000 Genomes Project 30x 0.00047.
gnomAD v4.1: 656 of 1,611,492 alleles (0.041%); highest among the groups gnomAD compares: Admixed American, 0.1%; no homozygotes.

Submissions (5):

Women's Health and Genetics/Laboratory Corporation of America, LabCorp
Classification: Likely benign. Last evaluated: 2026-02-03. Review status: criteria provided, single submitter. Criteria: LabCorp Variant Classification Summary - May 2015. Collection method: clinical testing. Allele origin: germline.

Labcorp Genetics (formerly Invitae), Labcorp
Classification: Likely benign for Hereditary spastic paraplegia 30; Neuropathy, hereditary sensory, type 2C; Intellectual disability, autosomal dominant 9. Last evaluated: 2026-01-18. Review status: criteria provided, single submitter. Criteria: Invitae Variant Classification Sherloc (09022015). Collection method: clinical testing. Allele origin: germline.

Blueprint Genetics
Classification: Likely benign. Last evaluated: 2024-06-19. Review status: criteria provided, single submitter. Criteria: ACMG Guidelines, 2015. Collection method: clinical testing. Allele origin: germline.

Illumina Laboratory Services, Illumina
Classification: Uncertain significance for Spastic paraplegia 30A, autosomal dominant. Last evaluated: 2018-01-13. Review status: criteria provided, single submitter. Criteria: ICSL Variant Classification Criteria 13 December 2019. Collection method: clinical testing. Allele origin: germline.

GeneDx
Classification: Likely benign. Last evaluated: 2017-06-05. Review status: criteria provided, single submitter. Criteria: GeneDx Variant Classification (06012015). Collection method: clinical testing. Allele origin: germline. Affected: yes.
Comment: This variant is considered likely benign or benign based on one or more of the following criteria: it is a conservative change, it occurs at a poorly conserved position in the protein, it is predicted to be benign by multiple in silico algorithms, and/or has population frequency not consistent with disease.